The following is an entry in ClinVar:

NM_002439.5(MSH3):c.1254G>A (p.Met418Ile)

Gene: MSH3 (mutS homolog 3; plus strand). Cytogenetic location: 5q14.1.
Variant type: single nucleotide variant.
Coding change: c.1254G>A on transcript NM_002439.5 (MANE Select); coding-DNA position 1254, G replaced by A.
Protein change: p.Met418Ile; replaces methionine 418 with isoleucine.
Molecular consequence: missense variant.
Genome position (GRCh38, 1-based): chr5:80,679,007, G>A. VCF-style: chr5-80679007-G-A. GRCh37 (hg19) VCF-style: chr5-79974826-G-A.
Other names: short protein forms M418I.
Identifiers: ClinVar variation 1008264 (VCV001008264.9), dbSNP rs1749904722, ClinGen allele CA360268981.

ClinVar aggregate classification (germline): Uncertain significance (1 of 4 stars; one submission).

Submission:

Labcorp Genetics (formerly Invitae), Labcorp
Classification: Uncertain significance. Last evaluated: 2023-12-24. Review status: criteria provided, single submitter. Criteria: Invitae Variant Classification Sherloc (09022015). Collection method: clinical testing. Allele origin: germline.
Comment: This sequence change replaces methionine, which is neutral and non-polar, with isoleucine, which is neutral and non-polar, at codon 418 of the MSH3 protein (p.Met418Ile). This variant is not present in population databases (gnomAD no frequency). This variant has not been reported in the literature in individuals affected with MSH3-related conditions. ClinVar contains an entry for this variant (Variation ID: 1008264). Algorithms developed to predict the effect of missense changes on protein structure and function output the following: SIFT: "Not Available"; PolyPhen-2: "Benign"; Align-GVGD: "Not Available". The isoleucine amino acid residue is found in multiple mammalian species, which suggests that this missense change does not adversely affect protein function. In summary, the available evidence is currently insufficient to determine the role of this variant in disease. Therefore, it has been classified as a Variant of Uncertain Significance.